The following is an entry in ClinVar:

NM_002454.3(MTRR):c.1091_1093del (p.Cys364del)

Gene: MTRR (5-methyltetrahydrofolate-homocysteine methyltransferase reductase; plus strand). Cytogenetic location: 5p15.31.
Variant type: Deletion.
Coding change: c.1091_1093del on transcript NM_002454.3 (MANE Select); coding-DNA positions 1091 to 1093, 3 bases deleted (GTT; older notation c.1091_1093delGTT).
Protein change: p.Cys364del; deletes cysteine 364.
Molecular consequence: inframe deletion. On other transcripts: non-coding transcript variant (12).
Genome position (GRCh38, 1-based): chr5:7,886,648-7,886,650, GTT deleted; deleting any 3 consecutive bases within chr5:7,886,647-7,886,650 gives the same sequence; the c. name uses the placement nearest the transcript's 3' end. VCF-style (leftmost placement, unchanged base first): chr5-7886646-ATGT-A. GRCh37 (hg19) VCF-style: chr5-7886759-ATGT-A.
Other names: c.1091_1093del, p.Cys364del (NM_001364440.2, NM_001364441.2, NM_001364442.2 and 1 more transcripts); c.1091_1093del (NM_002454.2); c.1091_1093delGTT (NM_002454.3); short protein forms C364del.
Identifiers: ClinVar variation 203842 (VCV000203842.24), dbSNP rs796052001, ClinGen allele CA312757.

ClinVar aggregate classification (germline): Conflicting classifications of pathogenicity. Review status: criteria provided, conflicting classifications (1 of 4 stars). 4 submissions from 4 submitters: Uncertain significance (2); Likely benign (1). 1 of the submissions does not count toward it. Last evaluated 2026-01-20.

Conditions:
Methylcobalamin deficiency type cblE (HMAE). Also called: VITAMIN B12-RESPONSIVE HOMOCYSTINURIA, cblE TYPE; HOMOCYSTINURIA-MEGALOBLASTIC ANEMIA, cblE TYPE; HOMOCYSTINURIA-MEGALOBLASTIC ANEMIA, cblE COMPLEMENTATION TYPE. Identifiers: Orphanet 2169, Orphanet 622, MedGen C1856057, MONDO:0009354, OMIM 236270.

Submissions (4):

Labcorp Genetics (formerly Invitae), Labcorp
Classification: Likely benign for Methylcobalamin deficiency type cblE. Last evaluated: 2026-01-20. Review status: criteria provided, single submitter. Criteria: Invitae Variant Classification Sherloc (09022015). Collection method: clinical testing. Allele origin: germline.

ARUP Laboratories, Molecular Genetics and Genomics, ARUP Laboratories
Classification: Uncertain significance. Last evaluated: 2019-05-22. Review status: criteria provided, single submitter. Criteria: ARUP Molecular Germline Variant Investigation Process. Collection method: clinical testing. Allele origin: germline.
Comment: The c.1091_1093delGTT variant (rs796052001), also known as c.1090_1092delTGT (rs557138082), removes 3 nucleotides from the coding sequence of the MTRR gene which results in the removal of a single cysteine amino acid at position 364 from the protein sequence. The p.Cys364del variant has not been reported in the medical literature or, gene specific variation databases but has been reported to ClinVar (Variation ID: 203842). This variant is listed in the Exome Aggregation Consortium Browser with an overall population frequency of 0.13 percent (identified on 160 out of 121,384 chromosomes, including 1 homozygote). Altogether, there is not enough evidence to classify the p.Cys364del variant with certainty.

GeneDx
Classification: Uncertain significance. Last evaluated: 2017-12-20. Review status: criteria provided, single submitter. Criteria: GeneDx Variant Classification (06012015). Collection method: clinical testing. Allele origin: germline. Affected: yes.
Comment: The c.1172_1174delGTT sequence change has not been published as a mutation, nor has it been reported as a benign polymorphism to our knowledge. The c.1172_1174delGTT deletion causes the loss of a single Cysteine residue at amino acid position 391, denoted p.Cys391del. Other in-frame deletions have been reported in association with methionine synthase reductase deficiency. However, whether or not the loss of a single Cysteine residue at this position in the MTRR protein is expected to affect the function of the MTRR protein is not known. Therefore, based on the currently available information, it is unclear whether c.1172_1174delGTT is a pathogenic variant or a rare benign variant.

Natera, Inc.
Classification: Benign for CblE complementation type homocystinuria-megaloblastic anemia due to defect in cobalamin metabolism. Last evaluated: 2020-04-17. Review status: no assertion criteria provided. Collection method: clinical testing. Allele origin: germline. Not counted in ClinVar's aggregate classification.